The following is an entry in ClinVar:

NM_001048174.2(MUTYH):c.1420C>G (p.Pro474Ala)

Gene: MUTYH (mutY DNA glycosylase; minus strand). Cytogenetic location: 1p34.1.
Variant type: single nucleotide variant.
Coding change: c.1420C>G on transcript NM_001048174.2 (MANE Select); coding-DNA position 1420, C replaced by G.
Protein change: p.Pro474Ala; replaces proline 474 with alanine.
Molecular consequence: missense variant. On other transcripts: non-coding transcript variant (7).
Genome position (GRCh38, 1-based): chr1:45,330,530, G>C on the plus strand (C>G on the coding strand, the complement: MUTYH is on the minus strand). VCF-style: chr1-45330530-G-C. GRCh37 (hg19) VCF-style: chr1-45796202-G-C.
Other names: c.1420C>G, p.Pro474Ala (NM_001048171.2, NM_001048173.2, NM_001293195.2 and 6 more transcripts); c.1423C>G, p.Pro475Ala (NM_001048172.2, NM_001407071.1, NM_001407086.1 and 1 more transcripts); c.1504C>G, p.Pro502Ala (NM_001128425.2); c.1465C>G, p.Pro489Ala (NM_001293190.2); c.1453C>G, p.Pro485Ala (NM_001293191.2, NM_001407069.1, NM_001407077.1); c.1144C>G, p.Pro382Ala (NM_001293192.2, NM_001293196.2, NM_001407091.1); c.1075C>G, p.Pro359Ala (NM_001350650.2, NM_001350651.2, NM_001407082.1); c.1441C>G, p.Pro481Ala (NM_001407087.1); and 5 more; short protein forms P475A, P488A, P489A, P502A, P446A, P474A, P359A, P382A.
Identifiers: ClinVar variation 4113299 (VCV004113299.1).
Genomic context (GRCh38, chr1:45,330,530, plus strand): 5'-ACTCAGGCCTGGGGAGACACGGTTGGGAGAGGCCTAGGAGACTTACCATACAGGTCCCTG[G>C]CTGTTGGCCCTGATACACACGGAAAACCTAGACAAGAAGACAGGGAGGTGAGGGCTGGCA-3'
Protein context (NP_001041639.1, residues 464-484): KVFRVYQGQQ[Pro474Ala]GTCMGSKRSQ

ClinVar aggregate classification (germline): Uncertain significance (1 of 4 stars; one submission).

Conditions:
Hereditary cancer-predisposing syndrome. Also called: Tumor predisposition; Neoplastic Syndromes, Hereditary; Hereditary neoplastic syndrome; Hereditary Cancer Syndrome. Identifiers: Orphanet 140162, MedGen C0027672, MeSH D009386, MONDO:0015356.

Submission:

Ambry Genetics
Classification: Uncertain significance for Hereditary cancer-predisposing syndrome. Last evaluated: 2025-08-27. Review status: criteria provided, single submitter. Criteria: Ambry Variant Classification Scheme 2023. Collection method: clinical testing. Allele origin: germline.
Comment: The p.P502A variant (also known as c.1504C>G), located in coding exon 15 of the MUTYH gene, results from a C to G substitution at nucleotide position 1504. The proline at codon 502 is replaced by alanine, an amino acid with highly similar properties. This amino acid position is conserved. In addition, this alteration is predicted to be tolerated by in silico analysis. Based on the available evidence, the clinical significance of this variant remains unclear.